The following is an entry in ClinVar:

ClinVar aggregate classification (germline): Uncertain significance. Review status: criteria provided, single submitter (1 of 4 stars). 2 submissions from 1 submitter: Uncertain significance (2). Last evaluated 2022-07-19.

Conditions:
Hereditary cancer-predisposing syndrome. Also called: Neoplastic Syndromes, Hereditary; Tumor predisposition; Hereditary Cancer Syndrome; Hereditary neoplastic syndrome. Identifiers: Orphanet 140162, MedGen C0027672, MeSH D009386, MONDO:0015356.
Inborn genetic diseases. Identifiers: MedGen C0950123, MeSH D030342.

Allele frequency attached by ClinVar (database versions not stated): gnomAD exomes below 0.00001; TOPMed below 0.00001.
gnomAD v4.1: 1 of 1,613,684 alleles (0.000062%); highest among the groups gnomAD compares: African/African-American, 0.0013%; no homozygotes.

Submissions (2):

Ambry Genetics
Classification: Uncertain significance for Hereditary cancer-predisposing syndrome. Last evaluated: 2022-07-19. Review status: criteria provided, single submitter. Criteria: Ambry General Variant Classification Scheme_2022. Collection method: clinical testing. Allele origin: germline. Observed: 1 variant allele.
Comment: The p.E231Q variant (also known as c.691G>C), located in coding exon 1 of the PALLD gene, results from a G to C substitution at nucleotide position 691. The glutamic acid at codon 231 is replaced by glutamine, an amino acid with highly similar properties. This amino acid position is conserved. In addition, this alteration is predicted to be tolerated by in silico analysis. Since supporting evidence is limited at this time, the clinical significance of this alteration remains unclear.

Ambry Genetics
Classification: Uncertain significance for Inborn genetic diseases. Last evaluated: 2022-01-27. Review status: criteria provided, single submitter. Criteria: Ambry General Variant Classification Scheme_2022. Collection method: clinical testing. Allele origin: germline. Observed: 1 variant allele.

NM_001166108.2(PALLD):c.691G>C (p.Glu231Gln)

Gene: PALLD (palladin, cytoskeletal associated protein; plus strand). Cytogenetic location: 4q32.3.
Variant type: single nucleotide variant.
Coding change: c.691G>C on transcript NM_001166108.2 (MANE Select); coding-DNA position 691, G replaced by C.
Protein change: p.Glu231Gln; replaces glutamic acid 231 with glutamine.
Molecular consequence: missense variant.
Genome position (GRCh38, 1-based): chr4:168,512,195, G>C. VCF-style: chr4-168512195-G-C. GRCh37 (hg19) VCF-style: chr4-169433346-G-C.
Other names: c.691G>C, p.Glu231Gln (NM_016081.4); c.691G>C (NM_001166108.1); short protein forms E231Q.
Identifiers: ClinVar variation 1756164 (VCV001756164.3), dbSNP rs1208821236, ClinGen allele CA358727940.